The following is an entry in ClinVar:

NM_016333.4(SRRM2):c.6401G>A (p.Gly2134Glu)

Gene: SRRM2 (serine/arginine repetitive matrix 2; plus strand). Cytogenetic location: 16p13.3.
Variant type: single nucleotide variant.
Coding change: c.6401G>A on transcript NM_016333.4 (MANE Select); coding-DNA position 6401, G replaced by A.
Protein change: p.Gly2134Glu; replaces glycine 2134 with glutamic acid.
Molecular consequence: missense variant.
Genome position (GRCh38, 1-based): chr16:2,766,929, G>A. VCF-style: chr16-2766929-G-A. GRCh37 (hg19) VCF-style: chr16-2816930-G-A.
Other names: short protein forms G2134E.
Identifiers: ClinVar variation 4281769 (VCV004281769.1).
Genomic context (GRCh38, chr16:2,766,929, plus strand): 5'-TGAGCTGCTTCAGTCGTCCTAGCATGTCCCCAACACCTCTTGATCGCTGCAGATCACCTG[G>A]AATGCTTGAACCCCTTGGCAGCTCTAGAACACCCATGTCTGTCCTGCAGCAAGCCGGCGG-3'
Protein context (NP_057417.3, residues 2124-2144): PTPLDRCRSP[Gly2134Glu]MLEPLGSSRT

ClinVar aggregate classification (germline): Uncertain significance (1 of 4 stars; one submission).

Submission:

GeneDx
Classification: Uncertain significance. Last evaluated: 2025-04-07. Review status: criteria provided, single submitter. Criteria: GeneDx Variant Classification Process June 2021. Collection method: clinical testing. Allele origin: germline. Affected: yes.
Comment: Not observed at significant frequency in large population cohorts (gnomAD); In silico analysis indicates that this missense variant does not alter protein structure/function; Has not been previously published as pathogenic or benign to our knowledge